The following is an entry in ClinVar:

ClinVar aggregate classification (germline): Pathogenic. Review status: criteria provided, multiple submitters, no conflicts (2 of 4 stars). 2 submissions from 2 submitters: Pathogenic (2). Last evaluated 2024-11-04.

Conditions:
Primary ciliary dyskinesia. Also called: Ciliary dyskinesia. Identifiers: Orphanet 244, MedGen C0008780, MONDO:0016575, HP:0012265.
Primary ciliary dyskinesia 7. Also called: CILIARY DYSKINESIA, PRIMARY, 7, WITH OR WITHOUT SITUS INVERSUS. Identifiers: Orphanet 244, MedGen C2678473, MONDO:0012748, OMIM 611884.

Allele frequency attached by ClinVar (database versions not stated): gnomAD exomes below 0.00001; TOPMed below 0.00001.
gnomAD v4.1: 2 of 1,613,886 alleles (0.00012%); highest among the groups gnomAD compares: East Asian, 0.0022%; no homozygotes.

Submissions (2):

Victorian Clinical Genetics Services, Murdoch Childrens Research Institute
Classification: Pathogenic for Primary ciliary dyskinesia 7. Last evaluated: 2024-11-04. Review status: criteria provided, single submitter. Criteria: ACMG Guidelines, 2015. Collection method: clinical testing. Allele origin: germline.
Comment: This variant is classified as Pathogenic. Evidence in support of pathogenic classification: Variant is predicted to cause nonsense-mediated decay (NMD) and loss of protein (premature termination codon is located at least 54 nucleotides upstream of the final exon-exon junction); Variant is absent from gnomAD (both v2 and v3); Other NMD-predicted variants comparable to the one identified in this case have very strong previous evidence for pathogenicity. These variants have been reported as pathogenic or likely pathogenic in many individuals with primary ciliary dyskinesia (ClinVar). Additionally, several NMD-predicted variants have been reported in individuals with congenital heart disease (PMID: 31040315, 32633470). Additional information: This variant is heterozygous; This gene is associated with autosomal recessive disease; This variant has no previous evidence of pathogenicity; No published segregation evidence has been identified for this variant; No published functional evidence has been identified for this variant; Loss of function is a known mechanism of disease in this gene and is associated with primary ciliary dyskinesia, 7, with or without situs inversus (MIM#611884); Inheritance information for this variant is not currently available in this individual.

Labcorp Genetics (formerly Invitae), Labcorp
Classification: Pathogenic for Primary ciliary dyskinesia. Last evaluated: 2023-03-10. Review status: criteria provided, single submitter. Criteria: Invitae Variant Classification Sherloc (09022015). Collection method: clinical testing. Allele origin: germline.
Comment: For these reasons, this variant has been classified as Pathogenic. Algorithms developed to predict the effect of sequence changes on RNA splicing suggest that this variant may disrupt the consensus splice site. ClinVar contains an entry for this variant (Variation ID: 1805664). This variant has not been reported in the literature in individuals affected with DNAH11-related conditions. This variant is not present in population databases (gnomAD no frequency). This sequence change creates a premature translational stop signal (p.Gln2667*) in the DNAH11 gene. It is expected to result in an absent or disrupted protein product. Loss-of-function variants in DNAH11 are known to be pathogenic (PMID: 18022865, 20513915, 22184204).

Literature cited by the submitters: PubMed 31040315 (cited by Victorian Clinical Genetics Services, Murdoch Childrens Research Institute); PubMed 32633470 (cited by Victorian Clinical Genetics Services, Murdoch Childrens Research Institute); PubMed 18022865 (cited by Labcorp Genetics (formerly Invitae), Labcorp); PubMed 20513915 (cited by Labcorp Genetics (formerly Invitae), Labcorp); PubMed 22184204 (cited by Labcorp Genetics (formerly Invitae), Labcorp).

NM_001277115.2(DNAH11):c.7999C>T (p.Gln2667Ter)

Gene: DNAH11 (dynein axonemal heavy chain 11; plus strand). Cytogenetic location: 7p15.3.
Variant type: single nucleotide variant.
Coding change: c.7999C>T on transcript NM_001277115.2 (MANE Select); coding-DNA position 7999, C replaced by T.
Protein change: p.Gln2667Ter; replaces glutamine 2667 with a stop codon.
Molecular consequence: nonsense.
Genome position (GRCh38, 1-based): chr7:21,742,011, C>T. VCF-style: chr7-21742011-C-T. GRCh37 (hg19) VCF-style: chr7-21781629-C-T.
Other names: c.8020C>T, p.Gln2674Ter (NM_003777.3); short protein forms Q2667*, Q2674*.
Identifiers: ClinVar variation 1805664 (VCV001805664.6), dbSNP rs1191615331, ClinGen allele CA366951795.